The following is an entry in ClinVar:

ClinVar aggregate classification (germline): Benign/Likely benign. Review status: criteria provided, multiple submitters, no conflicts (2 of 4 stars). 3 submissions from 3 submitters: Benign (1); Likely benign (1). 1 of the submissions does not count toward it. Last evaluated 2026-01-26.

Conditions:
PTPN23-related disorder. Also called: PTPN23-related condition.

Allele frequency attached by ClinVar (database versions not stated): gnomAD 0.00007; gnomAD exomes 0.00008 and 0.00017; TOPMed 0.00011; ExAC 0.00019.

Submissions (3):

Labcorp Genetics (formerly Invitae), Labcorp
Classification: Benign. Last evaluated: 2026-01-26. Review status: criteria provided, single submitter. Criteria: Invitae Variant Classification Sherloc (09022015). Collection method: clinical testing. Allele origin: germline.

Blueprint Genetics
Classification: Likely benign. Last evaluated: 2024-04-16. Review status: criteria provided, single submitter. Criteria: ACMG Guidelines, 2015. Collection method: clinical testing. Allele origin: germline.

PreventionGenetics, part of Exact Sciences
Classification: Likely benign for PTPN23-related condition. Last evaluated: 2019-06-25. Review status: no assertion criteria provided. Collection method: clinical testing. Allele origin: germline. Not counted in ClinVar's aggregate classification.
Comment: This variant is classified as likely benign based on ACMG/AMP sequence variant interpretation guidelines (Richards et al. 2015 PMID: 25741868, with internal and published modifications).

NM_015466.4(PTPN23):c.546+10C>T

Gene: PTPN23 (protein tyrosine phosphatase non-receptor type 23; plus strand). Cytogenetic location: 3p21.31.
Variant type: single nucleotide variant.
Coding change: c.546+10C>T on transcript NM_015466.4 (MANE Select); 10 bases into the intron after coding-DNA position 546, C replaced by T.
Molecular consequence: intron variant.
Genome position (GRCh38, 1-based): chr3:47,406,056, C>T. VCF-style: chr3-47406056-C-T. GRCh37 (hg19) VCF-style: chr3-47447546-C-T.
Other names: c.168+10C>T (NM_001304482.2); c.546+10C>T (NM_015466.3).
Identifiers: ClinVar variation 1582112 (VCV001582112.11), dbSNP rs200803095, ClinGen allele CA2365365.